The following is an entry in ClinVar:

ClinVar aggregate classification (germline): Uncertain significance. Review status: criteria provided, multiple submitters, no conflicts (2 of 4 stars). 2 submissions from 2 submitters: Uncertain significance (2). Last evaluated 2026-07-11.

Conditions:
TTN-related disorder. Also called: TTN-related condition; TTN-related disease; TTN-related disorders.

gnomAD v4.1: 10 of 1,613,772 alleles (0.00062%); highest among the groups gnomAD compares: Admixed American, 0.0017%; no homozygotes.

Submissions (2):

PreventionGenetics, part of Exact Sciences
Classification: Uncertain significance for TTN-related condition. Last evaluated: 2026-07-11. Review status: criteria provided, single submitter. Criteria: ACMG Guidelines, 2015. Collection method: clinical testing. Allele origin: germline.
Comment: The TTN c.27706G>A variant is predicted to result in the amino acid substitution p.Val9236Ile. To our knowledge, this variant has not been reported in the literature. This variant is reported in 0.0018% of alleles in individuals of European (Non-Finnish) descent in gnomAD. At this time, the clinical significance of this variant is uncertain due to the absence of conclusive functional and genetic evidence.

CeGaT Center for Human Genetics Tuebingen
Classification: Uncertain significance. Last evaluated: 2024-07-01. Review status: criteria provided, single submitter. Criteria: CeGaT Center For Human Genetics Tuebingen Variant Classification Criteria Version 2. Collection method: clinical testing. Allele origin: germline. Affected: yes. Observed: 1 variant allele.
Comment: TTN: PM2, BP4

NM_001267550.2(TTN):c.27706G>A (p.Val9236Ile)

Gene: TTN (titin; minus strand). Cytogenetic location: 2q31.2.
Variant type: single nucleotide variant.
Coding change: c.27706G>A on transcript NM_001267550.2 (MANE Select); coding-DNA position 27706, G replaced by A.
Protein change: p.Val9236Ile; replaces valine 9236 with isoleucine.
Molecular consequence: missense variant. On other transcripts: intron variant (3).
Genome position (GRCh38, 1-based): chr2:178,712,124, C>T on the plus strand (G>A on the coding strand, the complement: TTN is on the minus strand). VCF-style: chr2-178712124-C-T. GRCh37 (hg19) VCF-style: chr2-179576851-C-T.
Other names: c.26755G>A, p.Val8919Ile (NM_001256850.1); c.23974G>A, p.Val7992Ile (NM_133378.4); c.13282+25958G>A (NM_003319.4); c.13858+25958G>A (NM_133437.4); c.13657+25958G>A (NM_133432.3); short protein forms V7992I, V8919I, V9236I.
Identifiers: ClinVar variation 3257140 (VCV003257140.18).